The following is an entry in ClinVar:

NM_001267550.2(TTN):c.3380+20_3380+21del

Gene: TTN (titin; minus strand). Cytogenetic location: 2q31.2.
Variant type: Microsatellite.
Coding change: c.3380+20_3380+21del on transcript NM_001267550.2 (MANE Select); bases 20 to 21 of the intron after coding-DNA position 3380, 2 bases deleted (TA; older notation c.3380+20_3380+21delTA).
Molecular consequence: intron variant.
Genome position (GRCh38, 1-based): chr2:178,782,191-178,782,192, TA deleted on the plus strand (TA on the coding strand, the reverse complement: TTN is on the minus strand); deleting any 2 consecutive bases within chr2:178,782,191-178,782,195 gives the same sequence; the c. name uses the placement nearest the transcript's 3' end. VCF-style (leftmost placement, unchanged base first): chr2-178782190-CTA-C. GRCh37 (hg19) VCF-style: chr2-179646917-CTA-C.
Other names: c.3380+20_3380+21delTA (NM_001256850.1); c.3242+20_3242+21del (NM_003319.4, NM_133437.4, NM_133432.3); c.3380+20_3380+21del (NM_133378.4, NM_001256850.1, NM_133379.5).
Identifiers: ClinVar variation 680413 (VCV000680413.1), dbSNP rs1433984811, ClinGen allele CA761321746.

ClinVar aggregate classification (germline): Likely benign (1 of 4 stars; one submission).

Submission:

GeneDx
Classification: Likely benign. Last evaluated: 2018-03-08. Review status: criteria provided, single submitter. Criteria: GeneDx Variant Classification (06012015). Collection method: clinical testing. Allele origin: germline. Affected: yes.
Comment: This variant is considered likely benign or benign based on one or more of the following criteria: it is a conservative change, it occurs at a poorly conserved position in the protein, it is predicted to be benign by multiple in silico algorithms, and/or has population frequency not consistent with disease.